The following is an entry in ClinVar:

ClinVar aggregate classification (germline): Pathogenic (1 of 4 stars; one submission).

Conditions:
Brown-Vialetto-van Laere syndrome 1. Also called: BROWN-VIALETTO-VAN LAERE SYNDROME 1, MILD; BULBAR PALSY, PROGRESSIVE, WITH SENSORINEURAL DEAFNESS; PONTOBULBAR PALSY WITH DEAFNESS. Identifiers: Orphanet 572550, Orphanet 97229, MedGen C0796274, MONDO:0024537, OMIM 211530.

Submission:

Labcorp Genetics (formerly Invitae), Labcorp
Classification: Pathogenic for Brown-Vialetto-van Laere syndrome 1. Last evaluated: 2020-11-13. Review status: criteria provided, single submitter. Criteria: Invitae Variant Classification Sherloc (09022015). Collection method: clinical testing. Allele origin: unknown.
Comment: For these reasons, this variant has been classified as Pathogenic. This variant has not been reported in the literature in individuals with SLC52A3-related conditions. This variant results in the deletion of exon(s) 1 and part of exon 2 (c.-718_462del) of the SLC52A3 gene. It is expected to result in an absent or disrupted protein product. Loss-of-function variants in SLC52A3 are known to be pathogenic (PMID: 20206331, 22824638, 25462087).

Literature cited by the submitters: PubMed 20206331; PubMed 22824638; PubMed 25462087.

NC_000020.10:g.(?_745957)_(749607_?)del

Gene: SLC52A3 (solute carrier family 52 member 3; minus strand). Cytogenetic location: 20p13.
Variant type: Deletion.
Identifiers: ClinVar variation 3248316 (VCV003248316.1).